The following is an entry in ClinVar:

ClinVar aggregate classification (germline): Uncertain significance (0 of 4 stars; one submission).

Conditions:
Reduced protein C activity. Identifiers: MedGen C0398625, MeSH D020151, HP:0005543.

Submission:

ISTH-SSC Genomics in Thrombosis and Hemostasis, KU Leuven, Center for Molecular and Vascular Biology
Classification: Uncertain significance for Reduced protein C activity. Review status: no assertion criteria provided. Collection method: clinical testing. Allele origin: unknown. Affected: yes.
Comment: Submitted to GoldVariant by Bilal Jradeh from Katharine Dormandy Haemophilia and Thrombosis Centre, Royal Free Hospital, London, UK

NM_000312.4(PROC):c.848AGG[1] (p.Glu284del)

Gene: PROC (protein C, inactivator of coagulation factors Va and VIIIa; plus strand). Cytogenetic location: 2q14.3.
Variant type: Microsatellite.
Coding change: c.848AGG[1] on transcript NM_000312.4 (MANE Select); one copy of the 3-base unit AGG starting at c.848; the reference has two copies in a row; one copy, 3 bases deleted.
Protein change: p.Glu284del; deletes glutamic acid 284.
Molecular consequence: inframe deletion.
Genome position (GRCh38, 1-based): chr2:127,428,411-127,428,413, AGG deleted; deleting any 3 consecutive bases within chr2:127,428,408-127,428,413 gives the same sequence; the position shown is the placement nearest the transcript's 3' end. VCF-style (leftmost placement, unchanged base first): chr2-127428407-AAGG-A. GRCh37 (hg19) VCF-style: chr2-128185983-AAGG-A.
Other names: c.1031AGG[1], p.Glu345del (NM_001375602.1); c.1013AGG[1], p.Glu339del (NM_001375603.1); c.911AGG[1], p.Glu305del (NM_001375604.1); c.950AGG[1], p.Glu318del (NM_001375605.1); c.1016AGG[1], p.Glu340del (NM_001375606.1); c.1034AGG[1], p.Glu346del (NM_001375607.1); c.791AGG[1], p.Glu265del (NM_001375608.1); c.824AGG[1], p.Glu276del (NM_001375609.1); and 2 more; short protein forms E265del, E276del, E282del, E284del, E305del, E318del, E339del, E340del.
Identifiers: ClinVar variation 1684346 (VCV001684346.1), dbSNP rs752654447, ClinGen allele CA1859471.
Genomic context (GRCh38, chr2:127,428,407, plus strand): 5'-TGCCCTGCAGGAGAGTATGACCTGCGGCGCTGGGAGAAGTGGGAGCTGGACCTGGACATC[AAGG>A]AGGTCTTCGTCCACCCCAACTACAGCAAGAGCACCACCGACAATGACATCGCACTGCTGC-3'